The following is an entry in ClinVar:

ClinVar aggregate classification (germline): Uncertain significance. Review status: criteria provided, multiple submitters, no conflicts (2 of 4 stars). 2 submissions from 2 submitters: Uncertain significance (2). Last evaluated 2025-03-31.

Conditions:
Inborn genetic diseases. Identifiers: MedGen C0950123, MeSH D030342.

gnomAD v4.1: 14 of 1,612,096 alleles (0.00087%); highest among the groups gnomAD compares: African/African-American, 0.016%; no homozygotes.

Submissions (2):

Ambry Genetics
Classification: Uncertain significance for Inborn genetic diseases. Last evaluated: 2025-03-31. Review status: criteria provided, single submitter. Criteria: Ambry Variant Classification Scheme 2023. Collection method: clinical testing. Allele origin: germline.

Mayo Clinic Laboratories, Mayo Clinic
Classification: Uncertain significance. Last evaluated: 2024-08-05. Review status: criteria provided, single submitter. Criteria: ACMG Guidelines, 2015. Collection method: clinical testing. Allele origin: germline. Observed: 1 variant allele.
Comment: PM2

NM_024996.7(GFM1):c.221C>T (p.Ala74Val)

Gene: GFM1 (G elongation factor mitochondrial 1; plus strand). Cytogenetic location: 3q25.32.
Variant type: single nucleotide variant.
Coding change: c.221C>T on transcript NM_024996.7 (MANE Select); coding-DNA position 221, C replaced by T.
Protein change: p.Ala74Val; replaces alanine 74 with valine.
Molecular consequence: missense variant. On other transcripts: 5 prime UTR variant (4), non-coding transcript variant (4).
Genome position (GRCh38, 1-based): chr3:158,645,768, C>T. VCF-style: chr3-158645768-C-T. GRCh37 (hg19) VCF-style: chr3-158363557-C-T.
Other names: p.Ala74Val; c.221C>T, p.Ala74Val (NM_001308164.2, NM_001308166.2, NM_001374355.1 and 2 more transcripts); c.-5C>T (NM_001374357.1); c.-9C>T (NM_001374359.1, NM_001374360.1, NM_001374361.1); short protein forms A74V.
Identifiers: ClinVar variation 3379510 (VCV003379510.2).